The following is an entry in ClinVar:

ClinVar aggregate classification (germline): Pathogenic. Review status: criteria provided, multiple submitters, no conflicts (2 of 4 stars). 2 submissions from 2 submitters: Pathogenic (2). Last evaluated 2023-03-07.

Conditions:
Glycogen storage disease IXb (GSD9B). Also called: GLYCOGENOSIS OF LIVER AND MUSCLE, AUTOSOMAL RECESSIVE; GSD IXb; PHOSPHORYLASE KINASE DEFICIENCY OF LIVER AND MUSCLE, AUTOSOMAL RECESSIVE. Identifiers: Orphanet 79240, MedGen C0543514, MONDO:0009868, OMIM 261750.

Allele frequency attached by ClinVar (database versions not stated): ExAC 0.00001; gnomAD exomes 0.00001 and 0.00010; gnomAD 0.00002; TOPMed 0.00002.
gnomAD v4.1: 141 of 1,603,986 alleles (0.0088%); highest among the groups gnomAD compares: Non-Finnish European, 0.012%; no homozygotes.

Submissions (2):

Labcorp Genetics (formerly Invitae), Labcorp
Classification: Pathogenic for Glycogen storage disease IXb. Last evaluated: 2023-03-07. Review status: criteria provided, single submitter. Criteria: Invitae Variant Classification Sherloc (09022015). Collection method: clinical testing. Allele origin: germline.
Comment: This sequence change creates a premature translational stop signal (p.Gln516*) in the PHKB gene. It is expected to result in an absent or disrupted protein product. Loss-of-function variants in PHKB are known to be pathogenic (PMID: 9215682, 9326319). This variant is present in population databases (rs758004953, gnomAD 0.002%). This variant has not been reported in the literature in individuals affected with PHKB-related conditions. ClinVar contains an entry for this variant (Variation ID: 289493). For these reasons, this variant has been classified as Pathogenic.

Eurofins Ntd Llc (ga)
Classification: Pathogenic. Last evaluated: 2016-07-14. Review status: criteria provided, single submitter. Criteria: EGL Classification Definitions 2015. Collection method: clinical testing. Allele origin: germline. Observed: 1 variant allele, 1 heterozygote.

Literature cited by the submitters: PubMed 9215682 (cited by Labcorp Genetics (formerly Invitae), Labcorp); PubMed 9326319 (cited by Labcorp Genetics (formerly Invitae), Labcorp).

NM_000293.3(PHKB):c.1546C>T (p.Gln516Ter)

Gene: PHKB (phosphorylase kinase regulatory subunit beta; plus strand). Cytogenetic location: 16q12.1.
Variant type: single nucleotide variant.
Coding change: c.1546C>T on transcript NM_000293.3 (MANE Select); coding-DNA position 1546, C replaced by T.
Protein change: p.Gln516Ter; replaces glutamine 516 with a stop codon.
Molecular consequence: nonsense.
Genome position (GRCh38, 1-based): chr16:47,641,630, C>T. VCF-style: chr16-47641630-C-T. GRCh37 (hg19) VCF-style: chr16-47675541-C-T.
Other names: c.1525C>T, p.Gln509Ter (NM_001031835.3); c.1546C>T, p.Gln516Ter (NM_001363837.1); short protein forms Q516*, Q509*.
Identifiers: ClinVar variation 289493 (VCV000289493.15), dbSNP rs758004953, ClinGen allele CA8040878.
Genomic context (GRCh38, chr16:47,641,630, plus strand): 5'-ACGTCTCTTTTTATCCCTATGATCTTTAGACTTCAAGTTTTTCTGAACACATATGGTATT[C>T]AAACTCAAACTCCTCAACAAGTAGAACCCATTCAGATATGGCCTCAGCAGGAGCTTGTGA-3'